The following is an entry in ClinVar:

NM_001261826.3(AP3D1):c.3173C>T (p.Pro1058Leu)

Gene: AP3D1 (adaptor related protein complex 3 subunit delta 1; minus strand). Cytogenetic location: 19p13.3.
Variant type: single nucleotide variant.
Coding change: c.3173C>T on transcript NM_001261826.3 (MANE Select); coding-DNA position 3173, C replaced by T.
Protein change: p.Pro1058Leu; replaces proline 1058 with leucine.
Molecular consequence: missense variant.
Genome position (GRCh38, 1-based): chr19:2,110,709, G>A on the plus strand (C>T on the coding strand, the complement: AP3D1 is on the minus strand). VCF-style: chr19-2110709-G-A. GRCh37 (hg19) VCF-style: chr19-2110708-G-A.
Other names: c.3137C>T, p.Pro1046Leu (NM_001374799.1); c.2987C>T, p.Pro996Leu (NM_003938.8); short protein forms P1058L, P996L, P1046L.
Identifiers: ClinVar variation 3688357 (VCV003688357.2).

ClinVar aggregate classification (germline): Uncertain significance (1 of 4 stars; one submission).

Submission:

Labcorp Genetics (formerly Invitae), Labcorp
Classification: Uncertain significance. Last evaluated: 2025-04-16. Review status: criteria provided, single submitter. Criteria: Invitae Variant Classification Sherloc (09022015). Collection method: clinical testing. Allele origin: germline.
Comment: This sequence change replaces proline, which is neutral and non-polar, with leucine, which is neutral and non-polar, at codon 1058 of the AP3D1 protein (p.Pro1058Leu). This variant is not present in population databases (gnomAD no frequency). This variant has not been reported in the literature in individuals affected with AP3D1-related conditions. ClinVar contains an entry for this variant (Variation ID: 3688357). An algorithm developed to predict the effect of missense changes on protein structure and function (PolyPhen-2) suggests that this variant is likely to be tolerated. In summary, the available evidence is currently insufficient to determine the role of this variant in disease. Therefore, it has been classified as a Variant of Uncertain Significance.